The following is an entry in ClinVar:

ClinVar aggregate classification (germline): Likely benign (1 of 4 stars; one submission).

gnomAD v4.1: 250 of 1,614,164 alleles (0.015%); highest among the groups gnomAD compares: African/African-American, 0.11%; 1 homozygote.

Submission:

CeGaT Center for Human Genetics Tuebingen
Classification: Likely benign. Last evaluated: 2026-08-01. Review status: criteria provided, single submitter. Criteria: CeGaT Center For Human Genetics Tuebingen Variant Classification Criteria Version 2. Collection method: clinical testing. Allele origin: germline. Affected: yes. Observed: 2 variant alleles.
Comment: MAP1B: BP4, BP7, BS1

NM_005909.5(MAP1B):c.4026C>T (p.Asp1342=)

Gene: MAP1B (microtubule associated protein 1B; plus strand). Cytogenetic location: 5q13.2.
Variant type: single nucleotide variant.
Coding change: c.4026C>T on transcript NM_005909.5 (MANE Select); coding-DNA position 4026, C replaced by T.
Protein change: p.Asp1342=; no amino-acid change (aspartic acid 1342 retained).
Molecular consequence: synonymous variant.
Genome position (GRCh38, 1-based): chr5:72,197,381, C>T. VCF-style: chr5-72197381-C-T. GRCh37 (hg19) VCF-style: chr5-71493208-C-T.
Other names: c.3648C>T, p.Asp1216= (NM_001324255.2).
Identifiers: ClinVar variation 4872748 (VCV004872748.2).